The following is an entry in ClinVar:

NM_021096.4(CACNA1I):c.2287G>A (p.Ala763Thr)

Gene: CACNA1I (calcium voltage-gated channel subunit alpha1 I; plus strand). Cytogenetic location: 22q13.1.
Variant type: single nucleotide variant.
Coding change: c.2287G>A on transcript NM_021096.4 (MANE Select); coding-DNA position 2287, G replaced by A.
Protein change: p.Ala763Thr; replaces alanine 763 with threonine.
Molecular consequence: missense variant.
Genome position (GRCh38, 1-based): chr22:39,659,073, G>A. VCF-style: chr22-39659073-G-A. GRCh37 (hg19) VCF-style: chr22-40055078-G-A.
Other names: c.2182G>A, p.Ala728Thr (NM_001003406.2); short protein forms A728T, A763T.
Identifiers: ClinVar variation 4819559 (VCV004819559.1).
Genomic context (GRCh38, chr22:39,659,073, plus strand): 5'-CGCTTCATGCCTGCCCTGCGGCGCCAGCTCGTGGTGCTCATGAAGACCATGGACAACGTG[G>A]CCACCTTCTGCATGCTGCTCATGCTCTTCATCTTCATCTTCAGGTGAGCCTGCCCTGCTG-3'
Protein context (NP_066919.2, residues 753-773): VVLMKTMDNV[Ala763Thr]TFCMLLMLFI

ClinVar aggregate classification (germline): Likely benign (1 of 4 stars; one submission).

Conditions:
Neurodevelopmental disorder with speech impairment and with or without seizures. Also called: Neurodevelopmental disorder with variable intellectual disability and speech impairment, with or without seizures. Identifiers: MedGen C5774252, MONDO:0859313, OMIM 620114.

Submission:

Centre for Medical Genetics,  Mumbai
Classification: Likely benign for Neurodevelopmental disorder with speech impairment and with or without seizures. Last evaluated: 2026-03-16. Review status: criteria provided, single submitter. Criteria: ACMG Guidelines, 2015. Collection method: provider interpretation. Allele origin: germline. Inheritance: Autosomal dominant inheritance. Affected: no. Observed: 1 variant allele, 1 homozygote.
Comment: The variant satisfies PM2 criteria; Extremely low frequency in gnomAD population databases. The variant satisfies PP3 criteria; For a missense or a splicing region variant, computational prediction tools unanimously support a deleterious effect on the gene. The variant satisfies PP2 criteria; Missense variant in a gene with low rate of benign missense mutations and for which missense mutation is a common mechanism of a disease. However, the variant satisfies BS2 criteria.

Literature cited by the submitters: PubMed 33704440.